The following is an entry in ClinVar:

NM_001077418.3(TMEM231):c.176C>A (p.Pro59Gln)

Gene: TMEM231 (transmembrane protein 231; minus strand). Cytogenetic location: 16q23.1.
Variant type: single nucleotide variant.
Coding change: c.176C>A on transcript NM_001077418.3 (MANE Select); coding-DNA position 176, C replaced by A.
Protein change: p.Pro59Gln; replaces proline 59 with glutamine.
Molecular consequence: missense variant. On other transcripts: non-coding transcript variant (1).
Genome position (GRCh38, 1-based): chr16:75,555,937, G>T on the plus strand (C>A on the coding strand, the complement: TMEM231 is on the minus strand). VCF-style: chr16-75555937-G-T. GRCh37 (hg19) VCF-style: chr16-75589835-G-T.
Other names: c.335C>A, p.Pro112Gln (NM_001077416.2); c.263C>A (NM_001077416.1); short protein forms P59Q, P112Q.
Identifiers: ClinVar variation 648618 (VCV000648618.12), dbSNP rs774528098, ClinGen allele CA8176268.

ClinVar aggregate classification (germline): Uncertain significance. Review status: criteria provided, multiple submitters, no conflicts (2 of 4 stars). 6 submissions from 6 submitters: Uncertain significance (6). Last evaluated 2025-11-13.

Conditions:
Inborn genetic diseases. Identifiers: MedGen C0950123, MeSH D030342.
Joubert syndrome 20 (JBTS20). Identifiers: Orphanet 475, MedGen C3554235, MONDO:0013994, OMIM 614970.
Meckel syndrome, type 11 (MKS11). Identifiers: Orphanet 564, MedGen C3809352, MONDO:0014164, OMIM 615397.

Allele frequency attached by ClinVar (database versions not stated): gnomAD 0.00003 and 0.00004; gnomAD exomes 0.00003; ExAC below 0.00001; TOPMed 0.00002.
gnomAD v4.1: 21 of 1,604,456 alleles (0.0013%); highest among the groups gnomAD compares: Admixed American, 0.01%; no homozygotes.

Submissions (6):

Clinical Genetics Laboratory, University Hospital Schleswig-Holstein
Classification: Uncertain significance for Joubert syndrome 20. Last evaluated: 2025-11-13. Review status: criteria provided, single submitter. Criteria: ACMG Guidelines, 2015. Collection method: clinical testing. Allele origin: maternal. Affected: yes. Observed: 1 compound heterozygote.
Comment: ACMG criteria applied: PM2, PP3, PM3

Ambry Genetics
Classification: Uncertain significance for Inborn genetic diseases. Last evaluated: 2025-08-26. Review status: criteria provided, single submitter. Criteria: Ambry Variant Classification Scheme 2023. Collection method: clinical testing. Allele origin: germline.

Labcorp Genetics (formerly Invitae), Labcorp
Classification: Uncertain significance for Joubert syndrome 20; Meckel syndrome, type 11. Last evaluated: 2024-12-02. Review status: criteria provided, single submitter. Criteria: Invitae Variant Classification Sherloc (09022015). Collection method: clinical testing. Allele origin: germline.
Comment: This sequence change replaces proline, which is neutral and non-polar, with glutamine, which is neutral and polar, at codon 112 of the TMEM231 protein (p.Pro112Gln). The frequency data for this variant in the population databases is considered unreliable, as metrics indicate poor data quality at this position in the gnomAD database. This missense change has been observed in individual(s) with clinical features of Joubert syndrome and related disorders (internal data). In at least one individual the data is consistent with being in trans (on the opposite chromosome) from a pathogenic variant. ClinVar contains an entry for this variant (Variation ID: 648618). Experimental studies and prediction algorithms are not available or were not evaluated, and the functional significance of this variant is currently unknown. In summary, the available evidence is currently insufficient to determine the role of this variant in disease. Therefore, it has been classified as a Variant of Uncertain Significance.

3billion
Classification: Uncertain significance for Joubert syndrome 20. Last evaluated: 2024-09-29. Review status: criteria provided, single submitter. Criteria: ACMG Guidelines, 2015. Collection method: clinical testing. Allele origin: germline. Affected: yes.
Comment: The variant is observed at an extremely low frequency in the gnomAD v4.1.0 dataset (total allele frequency: 0.001%). Predicted Consequence/Location: Missense variant In silico tool predictions suggest damaging effect of the variant on gene or gene product [REVEL: 0.94 (>=0.6, sensitivity 0.68 and specificity 0.92)]. The same variant and different missense change at the same codon has been reported as of uncertain significance (ClinVar ID: VCV000648618, VCV002078478). Therefore, this variant is classified as VUS according to the recommendation of ACMG/AMP guideline.

Fulgent Genetics
Classification: Uncertain significance for Joubert syndrome 20; Meckel syndrome, type 11. Last evaluated: 2024-03-18. Review status: criteria provided, single submitter. Criteria: ACMG Guidelines, 2015. Collection method: clinical testing. Allele origin: germline.

Blueprint Genetics
Classification: Uncertain significance. Last evaluated: 2022-09-28. Review status: criteria provided, single submitter. Criteria: ACMG Guidelines, 2015. Collection method: clinical testing. Allele origin: germline.